The following is an entry in ClinVar:

NM_000302.4(PLOD1):c.976-16C>T

Gene: PLOD1 (procollagen-lysine,2-oxoglutarate 5-dioxygenase 1; plus strand). Cytogenetic location: 1p36.22.
Variant type: single nucleotide variant.
Coding change: c.976-16C>T on transcript NM_000302.4 (MANE Select); 16 bases into the intron before coding-DNA position 976, C replaced by T.
Molecular consequence: intron variant.
Genome position (GRCh38, 1-based): chr1:11,960,630, C>T. VCF-style: chr1-11960630-C-T. GRCh37 (hg19) VCF-style: chr1-12020687-C-T.
Other names: c.1117-16C>T (NM_001316320.2).
Identifiers: ClinVar variation 387326 (VCV000387326.26), dbSNP rs142329815, ClinGen allele CA598232.
Genomic context (GRCh38, chr1:11,960,630, plus strand): 5'-GAGGTGCTACAGTCCCTGGGTGGAAGCTGTGTCCTCCTCCTCACCCCCGCATCCCCTTCC[C>T]CATCCCCAACCCCAGGAGCAGCACCACAAGGCTCAGGTGGAAGAGTTCCTGGCACAGCAT-3'

ClinVar aggregate classification (germline): Benign/Likely benign. Review status: criteria provided, multiple submitters, no conflicts (2 of 4 stars). 6 submissions from 6 submitters: Benign (3); Likely benign (3). Last evaluated 2026-02-01.

Conditions:
Ehlers-Danlos syndrome, kyphoscoliotic type 1 (EDSKSCL1). Also called: Ehlers-Danlos syndrome, hydroxylysine-deficient; EHLERS-DANLOS SYNDROME, OCULAR-SCOLIOTIC TYPE; PLOD1-Related Kyphoscoliotic Ehlers-Danlos Syndrome; EHLERS-DANLOS SYNDROME, TYPE VIA. Identifiers: Orphanet 1900, MedGen C0268342, MONDO:0016002, OMIM 225400. Disease mechanism: loss of function.
Familial thoracic aortic aneurysm and aortic dissection (TAAD). Also called: Thoracic aortic aneurysms and dissections. Identifiers: Orphanet 91387, MedGen C4707243, MONDO:0019625.

Allele frequency attached by ClinVar (database versions not stated): gnomAD 0.00073 and 0.00108; ESP Exome Variant Server 0.00085; gnomAD exomes 0.00112 and 0.00220; TOPMed 0.00174; ExAC 0.00189; 1000 Genomes Project 30x 0.00547; 1000 Genomes Project 0.00639.
gnomAD v4.1: 1,794 of 1,595,316 alleles (0.11%); highest among the groups gnomAD compares: East Asian, 1.7%; 14 homozygotes.

Submissions (6):

Labcorp Genetics (formerly Invitae), Labcorp
Classification: Benign for Ehlers-Danlos syndrome, kyphoscoliotic type 1. Last evaluated: 2026-02-01. Review status: criteria provided, single submitter. Criteria: Invitae Variant Classification Sherloc (09022015). Collection method: clinical testing. Allele origin: germline.

Blueprint Genetics
Classification: Likely benign. Last evaluated: 2024-11-18. Review status: criteria provided, single submitter. Criteria: ACMG Guidelines, 2015. Collection method: clinical testing. Allele origin: germline.

ARUP Laboratories, Molecular Genetics and Genomics, ARUP Laboratories
Classification: Benign for Ehlers-Danlos syndrome, kyphoscoliotic type 1. Last evaluated: 2023-10-23. Review status: criteria provided, single submitter. Criteria: ARUP Molecular Germline Variant Investigation Process 2024. Collection method: clinical testing. Allele origin: germline.

Women's Health and Genetics/Laboratory Corporation of America, LabCorp
Classification: Benign. Last evaluated: 2023-07-21. Review status: criteria provided, single submitter. Criteria: LabCorp Variant Classification Summary - May 2015. Collection method: clinical testing. Allele origin: germline.

GeneDx
Classification: Likely benign. Last evaluated: 2018-04-05. Review status: criteria provided, single submitter. Criteria: GeneDx Variant Classification Process June 2021. Collection method: clinical testing. Allele origin: germline. Affected: yes.
Comment: This variant is associated with the following publications: (PMID: 22001912)

Ambry Genetics
Classification: Likely benign for Familial thoracic aortic aneurysm and aortic dissection. Last evaluated: 2015-09-01. Review status: criteria provided, single submitter. Criteria: Ambry Variant Classification Scheme 2023. Collection method: clinical testing. Allele origin: germline.